The following is an entry in ClinVar:

NM_000552.5(VWF):c.2606C>T (p.Thr869Met)

Gene: VWF (von Willebrand factor; minus strand). Cytogenetic location: 12p13.31.
Variant type: single nucleotide variant.
Coding change: c.2606C>T on transcript NM_000552.5 (MANE Select); coding-DNA position 2606, C replaced by T.
Protein change: p.Thr869Met; replaces threonine 869 with methionine.
Molecular consequence: missense variant.
Genome position (GRCh38, 1-based): chr12:6,034,767, G>A on the plus strand (C>T on the coding strand, the complement: VWF is on the minus strand). VCF-style: chr12-6034767-G-A. GRCh37 (hg19) VCF-style: chr12-6143933-G-A.
Other names: short protein forms T869M.
Identifiers: ClinVar variation 3768017 (VCV003768017.1).

ClinVar aggregate classification (germline): Uncertain significance (1 of 4 stars; one submission).

gnomAD v4.1: 30 of 1,614,102 alleles (0.0019%); highest among the groups gnomAD compares: Non-Finnish European, 0.0023%; no homozygotes.

Submission:

Women's Health and Genetics/Laboratory Corporation of America, LabCorp
Classification: Uncertain significance. Last evaluated: 2024-12-16. Review status: criteria provided, single submitter. Criteria: LabCorp Variant Classification Summary - May 2015. Collection method: clinical testing. Allele origin: germline.
Comment: Variant summary: VWF c.2606C>T (p.Thr869Met) results in a non-conservative amino acid change located in the VWFC domain (IPR001007) of the encoded protein sequence. Three of five in-silico tools predict a damaging effect of the variant on protein function. The variant allele was found at a frequency of 1.2e-05 in 251488 control chromosomes. The available data on variant occurrences in the general population are insufficient to allow any conclusion about variant significance. To our knowledge, no occurrence of c.2606C>T in individuals affected with Von Willebrand Disease and no experimental evidence demonstrating its impact on protein function have been reported. No submitters have cited clinical-significance assessments for this variant to ClinVar. Based on the evidence outlined above, the variant was classified as uncertain significance.